The following is an entry in ClinVar:

ClinVar aggregate classification (germline): Uncertain significance (1 of 4 stars; one submission).

Allele frequency attached by ClinVar (database versions not stated): gnomAD exomes below 0.00001.
gnomAD v4.1: 1 of 1,608,436 alleles (0.000062%); highest among the groups gnomAD compares: Admixed American, 0.0017%; no homozygotes.

Submission:

Labcorp Genetics (formerly Invitae), Labcorp
Classification: Uncertain significance. Last evaluated: 2022-12-28. Review status: criteria provided, single submitter. Criteria: Invitae Variant Classification Sherloc (09022015). Collection method: clinical testing. Allele origin: germline.
Comment: This sequence change replaces asparagine, which is neutral and polar, with lysine, which is basic and polar, at codon 663 of the FASTKD2 protein (p.Asn663Lys). This variant is present in population databases (no rsID available, gnomAD 0.003%). This variant has not been reported in the literature in individuals affected with FASTKD2-related conditions. Advanced modeling of protein sequence and biophysical properties (such as structural, functional, and spatial information, amino acid conservation, physicochemical variation, residue mobility, and thermodynamic stability) performed at Invitae indicates that this missense variant is not expected to disrupt FASTKD2 protein function. In summary, the available evidence is currently insufficient to determine the role of this variant in disease. Therefore, it has been classified as a Variant of Uncertain Significance.

NM_001136193.2(FASTKD2):c.1989T>G (p.Asn663Lys)

Gene: FASTKD2 (FAST kinase domains 2; plus strand). Cytogenetic location: 2q33.3.
Variant type: single nucleotide variant.
Coding change: c.1989T>G on transcript NM_001136193.2 (MANE Select); coding-DNA position 1989, T replaced by G.
Protein change: p.Asn663Lys; replaces asparagine 663 with lysine.
Molecular consequence: missense variant.
Genome position (GRCh38, 1-based): chr2:206,790,662, T>G. VCF-style: chr2-206790662-T-G. GRCh37 (hg19) VCF-style: chr2-207655386-T-G.
Other names: c.1989T>G, p.Asn663Lys (NM_001136194.2, NM_014929.4); short protein forms N663K.
Identifiers: ClinVar variation 1899515 (VCV001899515.5), dbSNP rs1476942352, ClinGen allele CA350083287.